The following is an entry in ClinVar:

ClinVar aggregate classification (germline): Uncertain significance. Review status: criteria provided, multiple submitters, no conflicts (2 of 4 stars). 2 submissions from 2 submitters: Uncertain significance (2). Last evaluated 2024-05-09.

Conditions:
Intellectual developmental disorder, autosomal dominant 1. Also called: Intellectual disability, autosomal dominant 1; MBD5 Haploinsufficiency. Identifiers: Orphanet 228402, MedGen C1969562, MONDO:0007974, OMIM 156200.

gnomAD v4.1: 15 of 1,613,714 alleles (0.00093%); highest among the groups gnomAD compares: South Asian, 0.0022%; no homozygotes.

Submissions (2):

Labcorp Genetics (formerly Invitae), Labcorp
Classification: Uncertain significance for Intellectual developmental disorder, autosomal dominant 1. Last evaluated: 2024-05-09. Review status: criteria provided, single submitter. Criteria: Invitae Variant Classification Sherloc (09022015). Collection method: clinical testing. Allele origin: germline.
Comment: This sequence change replaces proline, which is neutral and non-polar, with histidine, which is basic and polar, at codon 339 of the MBD5 protein (p.Pro339His). This variant is present in population databases (rs748307129, gnomAD 0.005%). This variant has not been reported in the literature in individuals affected with MBD5-related conditions. ClinVar contains an entry for this variant (Variation ID: 2651407). Advanced modeling of protein sequence and biophysical properties (such as structural, functional, and spatial information, amino acid conservation, physicochemical variation, residue mobility, and thermodynamic stability) performed at Invitae indicates that this missense variant is not expected to disrupt MBD5 protein function with a negative predictive value of 80%. In summary, the available evidence is currently insufficient to determine the role of this variant in disease. Therefore, it has been classified as a Variant of Uncertain Significance.

CeGaT Center for Human Genetics Tuebingen
Classification: Uncertain significance. Last evaluated: 2022-07-01. Review status: criteria provided, single submitter. Criteria: CeGaT Center For Human Genetics Tuebingen Variant Classification Criteria Version 2. Collection method: clinical testing. Allele origin: germline. Affected: yes. Observed: 1 variant allele.

NM_001378120.1(MBD5):c.1016C>A (p.Pro339His)

Gene: MBD5 (methyl-CpG binding domain protein 5; plus strand). Cytogenetic location: 2q23.1.
Variant type: single nucleotide variant.
Coding change: c.1016C>A on transcript NM_001378120.1 (MANE Select); coding-DNA position 1016, C replaced by A.
Protein change: p.Pro339His; replaces proline 339 with histidine.
Molecular consequence: missense variant.
Genome position (GRCh38, 1-based): chr2:148,468,959, C>A. VCF-style: chr2-148468959-C-A. GRCh37 (hg19) VCF-style: chr2-149226528-C-A.
Other names: c.1016C>A, p.Pro339His (NM_018328.5); short protein forms P339H.
Identifiers: ClinVar variation 2651407 (VCV002651407.27), dbSNP rs748307129, ClinGen allele CA1899959.
Genomic context (GRCh38, chr2:148,468,959, plus strand): 5'-CTAATATGGAAATACCACGAGCAATGTTCCACCACAAACCACCCCAAGGCCCACCTCCCC[C>A]TCCTCCACCTTCTTGTGCTCTTCAGAAAAAGCCATTAACATCTGAGAAAGATCCACTTGG-3'
Protein context (NP_001365049.1, residues 329-349): HHKPPQGPPP[Pro339His]PPPSCALQKK